The following is an entry in ClinVar:

ClinVar aggregate classification (germline): Conflicting classifications of pathogenicity. Review status: criteria provided, conflicting classifications (1 of 4 stars). 3 submissions from 3 submitters: Uncertain significance (1); Likely benign (2). Last evaluated 2024-12-29.

Conditions:
Hereditary cancer-predisposing syndrome. Also called: Hereditary Cancer Syndrome; Tumor predisposition; Neoplastic Syndromes, Hereditary; Hereditary neoplastic syndrome. Identifiers: Orphanet 140162, MedGen C0027672, MeSH D009386, MONDO:0015356.
Hereditary breast ovarian cancer syndrome. Also called: Hereditary breast and ovarian cancer; Hereditary breast and ovarian cancer syndrome; Breast and ovarian cancer; BRCA1- and BRCA2-Associated Hereditary Breast and Ovarian Cancer; Hereditary breast and/or ovarian cancer syndrome; Hereditary breast and ovarian cancer syndrome (HBOC). Identifiers: Orphanet 145, MedGen C0677776, MeSH D061325, MONDO:0003582. Disease mechanism: loss of function.

Submissions (3):

Labcorp Genetics (formerly Invitae), Labcorp
Classification: Uncertain significance for Hereditary breast ovarian cancer syndrome. Last evaluated: 2024-12-29. Review status: criteria provided, single submitter. Criteria: Invitae Variant Classification Sherloc (09022015). Collection method: clinical testing. Allele origin: germline.
Comment: This sequence change replaces alanine, which is neutral and non-polar, with threonine, which is neutral and polar, at codon 1825 of the BRCA2 protein (p.Ala1825Thr). This variant is not present in population databases (gnomAD no frequency). This variant has not been reported in the literature in individuals affected with BRCA2-related conditions. ClinVar contains an entry for this variant (Variation ID: 2105105). Invitae Evidence Modeling of protein sequence and biophysical properties (such as structural, functional, and spatial information, amino acid conservation, physicochemical variation, residue mobility, and thermodynamic stability) indicates that this missense variant is not expected to disrupt BRCA2 protein function with a negative predictive value of 95%. In summary, the available evidence is currently insufficient to determine the role of this variant in disease. Therefore, it has been classified as a Variant of Uncertain Significance.

Ambry Genetics
Classification: Likely benign for Hereditary cancer-predisposing syndrome. Last evaluated: 2023-06-18. Review status: criteria provided, single submitter. Criteria: Ambry Variant Classification Scheme 2023. Collection method: clinical testing. Allele origin: germline.

University of Washington Department of Laboratory Medicine, University of Washington
Classification: Likely benign for Hereditary cancer-predisposing syndrome. Last evaluated: 2023-03-23. Review status: criteria provided, single submitter. Criteria: Dines et al. (Genet Med. 2020). Collection method: curation. Allele origin: germline.
Comment: Missense variant in a coldspot region where missense variants are very unlikely to be pathogenic (PMID:31911673).

BRCA2 exon 11 coldspot. Reclassification based on statistical prior probability.

NM_000059.4(BRCA2):c.5473G>A (p.Ala1825Thr)

Gene: BRCA2 (BRCA2 DNA repair associated; plus strand). Cytogenetic location: 13q13.1.
Variant type: single nucleotide variant.
Coding change: c.5473G>A on transcript NM_000059.4 (MANE Select); coding-DNA position 5473, G replaced by A.
Protein change: p.Ala1825Thr; replaces alanine 1825 with threonine.
Molecular consequence: missense variant.
Genome position (GRCh38, 1-based): chr13:32,339,828, G>A. VCF-style: chr13-32339828-G-A. GRCh37 (hg19) VCF-style: chr13-32913965-G-A.
Other names: c.5473G>A, p.Ala1825Thr (NM_001406719.1, NM_001406720.1); short protein forms A1825T.
Identifiers: ClinVar variation 2105105 (VCV002105105.8), dbSNP rs745522949, ClinGen allele CA387785688.